The following is an entry in ClinVar:

ClinVar aggregate classification (germline): Uncertain significance. Review status: criteria provided, multiple submitters, no conflicts (2 of 4 stars). 2 submissions from 2 submitters: Uncertain significance (2). Last evaluated 2024-10-13.

Conditions:
Hereditary cancer-predisposing syndrome. Also called: Hereditary Cancer Syndrome; Hereditary neoplastic syndrome; Neoplastic Syndromes, Hereditary; Tumor predisposition. Identifiers: Orphanet 140162, MedGen C0027672, MeSH D009386, MONDO:0015356.
Haddad syndrome (OHD). Also called: Ondine-Hirschsprung disease. Identifiers: Orphanet 99803, MedGen C1859049, MONDO:0020493.

Allele frequency attached by ClinVar (database versions not stated): gnomAD exomes below 0.00001.
gnomAD v4.1: 3 of 1,613,614 alleles (0.00019%); highest among the groups gnomAD compares: Non-Finnish European, 0.00025%; no homozygotes.

Submissions (2):

Ambry Genetics
Classification: Uncertain significance for Hereditary cancer-predisposing syndrome. Last evaluated: 2024-10-13. Review status: criteria provided, single submitter. Criteria: Ambry Variant Classification Scheme 2023. Collection method: clinical testing. Allele origin: germline.
Comment: The p.K175M variant (also known as c.524A>T), located in coding exon 3 of the PHOX2B gene, results from an A to T substitution at nucleotide position 524. The lysine at codon 175 is replaced by methionine, an amino acid with similar properties. This amino acid position is conserved. In addition, the in silico prediction for this alteration is inconclusive. Since supporting evidence is limited at this time, the clinical significance of this alteration remains unclear.

Labcorp Genetics (formerly Invitae), Labcorp
Classification: Uncertain significance for Haddad syndrome. Last evaluated: 2023-07-18. Review status: criteria provided, single submitter. Criteria: Invitae Variant Classification Sherloc (09022015). Collection method: clinical testing. Allele origin: germline.
Comment: Advanced modeling of protein sequence and biophysical properties (such as structural, functional, and spatial information, amino acid conservation, physicochemical variation, residue mobility, and thermodynamic stability) performed at Invitae indicates that this missense variant is not expected to disrupt PHOX2B protein function. In summary, the available evidence is currently insufficient to determine the role of this variant in disease. Therefore, it has been classified as a Variant of Uncertain Significance. ClinVar contains an entry for this variant (Variation ID: 406403). This variant has not been reported in the literature in individuals affected with PHOX2B-related conditions. This variant is not present in population databases (gnomAD no frequency). This sequence change replaces lysine, which is basic and polar, with methionine, which is neutral and non-polar, at codon 175 of the PHOX2B protein (p.Lys175Met).

NM_003924.4(PHOX2B):c.524A>T (p.Lys175Met)

Gene: PHOX2B (paired like homeobox 2B; minus strand). Cytogenetic location: 4p13.
Variant type: single nucleotide variant.
Coding change: c.524A>T on transcript NM_003924.4 (MANE Select); coding-DNA position 524, A replaced by T.
Protein change: p.Lys175Met; replaces lysine 175 with methionine.
Molecular consequence: missense variant.
Genome position (GRCh38, 1-based): chr4:41,746,228, T>A on the plus strand (A>T on the coding strand, the complement: PHOX2B is on the minus strand). VCF-style: chr4-41746228-T-A. GRCh37 (hg19) VCF-style: chr4-41748245-T-A.
Other names: short protein forms K175M.
Identifiers: ClinVar variation 406403 (VCV000406403.13), dbSNP rs1060501119, ClinGen allele CA16611448.
Genomic context (GRCh38, chr4:41,746,228, plus strand): 5'-GTGCTGTCCGGGTCAGTGCTCTTGGCCTCTTTGCTCTCGTCGTCCCTGGAAGAGTCAGAC[T>A]TTTTGCCCGAGGAGCCGTTCTTGGCCGCGGCCGCTGCGGCTGCCGCTGCGCGCTCCTGCT-3'
Protein context (NP_003915.2, residues 165-185): AAAKNGSSGK[Lys175Met]SDSSRDDESK